The following is an entry in ClinVar:

NM_001113378.2(FANCI):c.2292-6T>C

Gene: FANCI (FA complementation group I; plus strand). Cytogenetic location: 15q26.1.
Variant type: single nucleotide variant.
Coding change: c.2292-6T>C on transcript NM_001113378.2 (MANE Select); 6 bases into the intron before coding-DNA position 2292, T replaced by C.
Molecular consequence: intron variant.
Genome position (GRCh38, 1-based): chr15:89,293,827, T>C. VCF-style: chr15-89293827-T-C. GRCh37 (hg19) VCF-style: chr15-89837058-T-C.
Other names: p.?; c.2292-6T>C (NM_018193.3, NM_001376911.1); c.2013-6T>C (NM_001376910.1).
Identifiers: ClinVar variation 1660118 (VCV001660118.11), dbSNP rs772352819, ClinGen allele CA7723347.

ClinVar aggregate classification (germline): Conflicting classifications of pathogenicity. Review status: criteria provided, conflicting classifications (1 of 4 stars). 4 submissions from 4 submitters: Uncertain significance (1); Likely benign (3). Last evaluated 2026-01-20.

Conditions:
Fanconi anemia (FA). Also called: Fanconi's anemia. Identifiers: Orphanet 84, MedGen C0015625, MeSH D005199, MONDO:0019391.

Allele frequency attached by ClinVar (database versions not stated): gnomAD 0.00001 and 0.00002; gnomAD exomes 0.00001 and 0.00002; ExAC 0.00003; TOPMed 0.00004.
gnomAD v4.1: 27 of 1,613,468 alleles (0.0017%); highest among the groups gnomAD compares: Non-Finnish European, 0.002%; no homozygotes.

Submissions (4):

Labcorp Genetics (formerly Invitae), Labcorp
Classification: Likely benign for Fanconi anemia. Last evaluated: 2026-01-20. Review status: criteria provided, single submitter. Criteria: Invitae Variant Classification Sherloc (09022015). Collection method: clinical testing. Allele origin: germline.

Mayo Clinic Laboratories, Mayo Clinic
Classification: Likely benign. Last evaluated: 2025-10-08. Review status: criteria provided, single submitter. Criteria: ACMG Guidelines, 2015. Collection method: clinical testing. Allele origin: germline. Observed: 1 variant allele.
Comment: BP4, BP7, PM2_supporting

Blueprint Genetics
Classification: Likely benign. Last evaluated: 2023-11-13. Review status: criteria provided, single submitter. Criteria: ACMG Guidelines, 2015. Collection method: clinical testing. Allele origin: germline.

Sema4
Classification: Uncertain significance for Fanconi anemia. Last evaluated: 2022-01-21. Review status: criteria provided, single submitter. Criteria: Sema4 Curation Guidelines. Collection method: curation. Allele origin: germline.
Comment: The FANCI c.2292-6T>C variant has not been reported in the literature to our knowledge. It was observed in 4/250764 chromosomes across the large and broad cohorts of the Genome Aggregation Database. The variant has not been reported in ClinVar. In silico tools suggest that the variant does not impact splicing, though these predictions have not been confirmed by functional studies. The evidence is insufficient to meet ACMG/AMP criteria for classifying the variant as benign or pathogenic. Thus, the clinical significance of this variant is currently uncertain.